The following is an entry in ClinVar:

ClinVar aggregate classification (germline): Conflicting classifications of pathogenicity. Review status: criteria provided, conflicting classifications (1 of 4 stars). 6 submissions from 6 submitters: Uncertain significance (5); Likely benign (1). Last evaluated 2024-12-30.

Conditions:
Pyruvate kinase deficiency of red cells (CNSHA2). Also called: Pyruvate kinase deficiency, Amish type; PK DEFICIENCY; PYRUVATE KINASE DEFICIENCY OF ERYTHROCYTE. Identifiers: Orphanet 766, MedGen C0340968, MONDO:0009950, OMIM 266200.
Pyruvate kinase hyperactivity. Identifiers: MedGen C1863224, MONDO:0007067, OMIM 102900.

Allele frequency attached by ClinVar (database versions not stated): gnomAD 0.00007 and 0.00011; gnomAD exomes 0.00008 and 0.00025; TOPMed 0.00015; ExAC 0.00024; 1000 Genomes Project 0.00080; 1000 Genomes Project 30x 0.00094.

Submissions (6):

Labcorp Genetics (formerly Invitae), Labcorp
Classification: Likely benign. Last evaluated: 2024-12-30. Review status: criteria provided, single submitter. Criteria: Invitae Variant Classification Sherloc (09022015). Collection method: clinical testing. Allele origin: germline.

Mayo Clinic Laboratories, Mayo Clinic
Classification: Uncertain significance. Last evaluated: 2024-12-05. Review status: criteria provided, single submitter. Criteria: ACMG Guidelines, 2015. Collection method: clinical testing. Allele origin: germline. Observed: 5 variant alleles.

ARUP Laboratories, Molecular Genetics and Genomics, ARUP Laboratories
Classification: Uncertain significance. Last evaluated: 2024-06-07. Review status: criteria provided, single submitter. Criteria: ARUP Molecular Germline Variant Investigation Process 2024. Collection method: clinical testing. Allele origin: germline.

Fulgent Genetics
Classification: Uncertain significance for Pyruvate kinase hyperactivity; Pyruvate kinase deficiency of red cells. Last evaluated: 2022-03-14. Review status: criteria provided, single submitter. Criteria: ACMG Guidelines, 2015. Collection method: clinical testing. Allele origin: unknown.

Soonchunhyang University Bucheon Hospital, Soonchunhyang University Medical Center
Classification: Uncertain significance for Pyruvate kinase deficiency of red cells. Last evaluated: 2016-03-18. Review status: criteria provided, single submitter. Criteria: ACMG Guidelines, 2015. Collection method: reference population. Allele origin: germline. Observed: 3 variant alleles.

Juno Genomics, Hangzhou Juno Genomics, Inc
Classification: Uncertain significance for Pyruvate kinase hyperactivity; Pyruvate kinase deficiency of red cells. Review status: criteria provided, single submitter. Criteria: ACMG Guidelines, 2015. Collection method: clinical testing. Allele origin: germline.
Comment: Multiple lines of computational evidence support a deleterious effect on the gene or gene product.;Patient's phenotype or family history is highly specific for a disease with a single genetic etiology.

Literature cited by the submitters: PubMed 16704447 (cited by Soonchunhyang University Bucheon Hospital, Soonchunhyang University Medical Center).

NM_000298.6(PKLR):c.1379T>C (p.Val460Ala)

Gene: PKLR (pyruvate kinase L/R; minus strand). Cytogenetic location: 1q22.
Variant type: single nucleotide variant.
Coding change: c.1379T>C on transcript NM_000298.6 (MANE Select); coding-DNA position 1379, T replaced by C.
Protein change: p.Val460Ala; replaces valine 460 with alanine.
Molecular consequence: missense variant.
Genome position (GRCh38, 1-based): chr1:155,293,234, A>G on the plus strand (T>C on the coding strand, the complement: PKLR is on the minus strand). VCF-style: chr1-155293234-A-G. GRCh37 (hg19) VCF-style: chr1-155263025-A-G.
Other names: c.1379T>C, p.Val460Ala (LRG_1136t1); c.1286T>C, p.Val429Ala (NM_181871.4); short protein forms V460A, V429A.
Identifiers: ClinVar variation 225440 (VCV000225440.14), dbSNP rs149946271, ClinGen allele CA1144023.
Genomic context (GRCh38, chr1:155,293,234, plus strand): 5'-CACCGGCCAGTTGTGGTCAGCACAATGATGGCAGCAGCACAGCACTTGAAGGCAGCCTCC[A>G]CAGCACCAATGGCGGTGACCTCAGTGGGATCACGGCTTAGTGGCGCTGCCCGACGTAGCT-3'
Protein context (NP_000289.1, residues 450-470): DPTEVTAIGA[Val460Ala]EAAFKCCAAA